The following is an entry in ClinVar:

ClinVar aggregate classification (germline): Likely pathogenic. Review status: criteria provided, multiple submitters, no conflicts (2 of 4 stars). 2 submissions from 2 submitters: Likely pathogenic (2). Last evaluated 2024-04-04.

Conditions:
Werner syndrome (WRN). Identifiers: Orphanet 902, MedGen C0043119, MONDO:0010196, OMIM 277700.

Submissions (2):

Genomic Medicine Center of Excellence, King Faisal Specialist Hospital and Research Centre
Classification: Likely pathogenic for Werner syndrome. Last evaluated: 2024-04-04. Review status: criteria provided, single submitter. Criteria: ACMG Guidelines, 2015. Collection method: clinical testing. Allele origin: germline.

Labcorp Genetics (formerly Invitae), Labcorp
Classification: Likely pathogenic for Werner syndrome. Last evaluated: 2022-09-06. Review status: criteria provided, single submitter. Criteria: Invitae Variant Classification Sherloc (09022015). Collection method: clinical testing. Allele origin: germline.
Comment: This sequence change affects an acceptor splice site in intron 10 of the WRN gene. It is expected to disrupt RNA splicing. Variants that disrupt the donor or acceptor splice site typically lead to a loss of protein function (PMID: 16199547), and loss-of-function variants in WRN are known to be pathogenic (PMID: 16673358). This variant is not present in population databases (gnomAD no frequency). In summary, the currently available evidence indicates that the variant is pathogenic, but additional data are needed to prove that conclusively. Therefore, this variant has been classified as Likely Pathogenic. Algorithms developed to predict the effect of sequence changes on RNA splicing suggest that this variant may disrupt the consensus splice site. ClinVar contains an entry for this variant (Variation ID: 581342). This variant has not been reported in the literature in individuals affected with WRN-related conditions.

Literature cited by the submitters: PubMed 16199547 (cited by Labcorp Genetics (formerly Invitae), Labcorp); PubMed 16673358 (cited by Labcorp Genetics (formerly Invitae), Labcorp).

NM_000553.6(WRN):c.1351-2A>G

Gene: WRN (WRN RecQ like helicase; plus strand). Cytogenetic location: 8p12.
Variant type: single nucleotide variant.
Coding change: c.1351-2A>G on transcript NM_000553.6 (MANE Select); the canonical splice acceptor site of the intron before coding-DNA position 1351, A replaced by G.
Molecular consequence: splice acceptor variant.
Genome position (GRCh38, 1-based): chr8:31,085,164, A>G. VCF-style: chr8-31085164-A-G. GRCh37 (hg19) VCF-style: chr8-30942680-A-G.
Identifiers: ClinVar variation 581342 (VCV000581342.7), dbSNP rs1563341296, ClinGen allele CA370923632.